The following is an entry in ClinVar:

ClinVar aggregate classification (germline): Uncertain significance. Review status: criteria provided, multiple submitters, no conflicts (2 of 4 stars). 3 submissions from 3 submitters: Uncertain significance (3). Last evaluated 2025-04-08.

Conditions:
Autosomal recessive limb-girdle muscular dystrophy type 2A (LGMDR1). Also called: Calpainopathy; MUSCULAR DYSTROPHY, PELVOFEMORAL; Limb-girdle muscular dystrophy, type 2A; Muscular dystrophy, limb-girdle, type 2A, Amish; LEYDEN-MOEBIUS MUSCULAR DYSTROPHY. Identifiers: Orphanet 267, MedGen C1869123, MONDO:0009675, OMIM 253600. Disease mechanism: loss of function.

gnomAD v4.1: 6 of 1,614,204 alleles (0.00037%); highest among the groups gnomAD compares: Admixed American, 0.0083%; no homozygotes.

Submissions (3):

Labcorp Genetics (formerly Invitae), Labcorp
Classification: Uncertain significance for Autosomal recessive limb-girdle muscular dystrophy type 2A. Last evaluated: 2025-04-08. Review status: criteria provided, single submitter. Criteria: Invitae Variant Classification Sherloc (09022015). Collection method: clinical testing. Allele origin: germline.
Comment: This sequence change affects codon 552 of the CAPN3 mRNA. It is a 'silent' change, meaning that it does not change the encoded amino acid sequence of the CAPN3 protein. This variant is present in population databases (rs751666282, gnomAD 0.01%). This variant has not been reported in the literature in individuals affected with CAPN3-related conditions. ClinVar contains an entry for this variant (Variation ID: 289161). Algorithms developed to predict the effect of sequence changes on RNA splicing suggest that this variant may create or strengthen a splice site. In summary, the available evidence is currently insufficient to determine the role of this variant in disease. Therefore, it has been classified as a Variant of Uncertain Significance.

GeneDx
Classification: Uncertain significance. Last evaluated: 2025-02-11. Review status: criteria provided, single submitter. Criteria: GeneDx Variant Classification Process June 2021. Collection method: clinical testing. Allele origin: germline. Affected: yes.
Comment: In silico analysis supports a deleterious effect on splicing; Has not been previously published as pathogenic or benign to our knowledge; This variant is associated with the following publications: (PMID: 30564623)

Eurofins Ntd Llc (ga)
Classification: Uncertain significance. Last evaluated: 2016-07-18. Review status: criteria provided, single submitter. Criteria: EGL Classification Definitions 2015. Collection method: clinical testing. Allele origin: germline. Observed: 1 variant allele, 1 heterozygote.

NM_000070.3(CAPN3):c.1656C>T (p.Ser552=)

Gene: CAPN3 (calpain 3; plus strand). Cytogenetic location: 15q15.1.
Variant type: single nucleotide variant.
Coding change: c.1656C>T on transcript NM_000070.3 (MANE Select); coding-DNA position 1656, C replaced by T.
Protein change: p.Ser552=; no amino-acid change (serine 552 retained).
Molecular consequence: synonymous variant.
Genome position (GRCh38, 1-based): chr15:42,402,913, C>T. VCF-style: chr15-42402913-C-T. GRCh37 (hg19) VCF-style: chr15-42695111-C-T.
Other names: c.1656C>T (NM_000070.2); c.1656C>T, p.Ser552= (NM_024344.2); c.1512C>T, p.Ser504= (NM_173087.2); c.120C>T, p.Ser40= (NM_173088.2).
Identifiers: ClinVar variation 289161 (VCV000289161.12), dbSNP rs751666282, ClinGen allele CA7511456.